The following is an entry in ClinVar:

NM_005685.4(GTF2IRD1):c.779C>T (p.Thr260Met)

Gene: GTF2IRD1 (GTF2I repeat domain containing 1; plus strand). Cytogenetic location: 7q11.23.
Variant type: single nucleotide variant.
Coding change: c.779C>T on transcript NM_005685.4 (MANE Select); coding-DNA position 779, C replaced by T.
Protein change: p.Thr260Met; replaces threonine 260 with methionine.
Molecular consequence: missense variant.
Genome position (GRCh38, 1-based): chr7:74,519,582, C>T. VCF-style: chr7-74519582-C-T. GRCh37 (hg19) VCF-style: chr7-73933912-C-T.
Other names: c.875C>T, p.Thr292Met (NM_001199207.2); c.779C>T, p.Thr260Met (NM_001410888.1, NM_016328.3); short protein forms T260M, T292M.
Identifiers: ClinVar variation 3905456 (VCV003905456.10).
Genomic context (GRCh38, chr7:74,519,582, plus strand): 5'-CACCCCAGGACCTGCCCCCAACCGCCACCTCCTCCTCCATGGCCAGCTTCCTGTACAGCA[C>T]GGCGCTCCCCAACCACGCCATCCGAGAGCTCAAGCAGGAAGCACCTTCCTGCCCCCTTGC-3'
Protein context (NP_005676.3, residues 250-270): SSSMASFLYS[Thr260Met]ALPNHAIREL

ClinVar aggregate classification (germline): Likely benign (1 of 4 stars; one submission).

gnomAD v4.1: 31 of 1,612,706 alleles (0.0019%); highest among the groups gnomAD compares: South Asian, 0.0055%; no homozygotes.

Submission:

CeGaT Center for Human Genetics Tuebingen
Classification: Likely benign. Last evaluated: 2025-06-01. Review status: criteria provided, single submitter. Criteria: CeGaT Center For Human Genetics Tuebingen Variant Classification Criteria Version 2. Collection method: clinical testing. Allele origin: germline. Affected: yes. Observed: 2 variant alleles.
Comment: GTF2IRD1: BP4